The following is an entry in ClinVar:

ClinVar aggregate classification (germline): Likely benign (0 of 4 stars; one submission).

Conditions:
TKFC-related disorder. Also called: TKFC-related condition.

Allele frequency attached by ClinVar (database versions not stated): gnomAD exomes 0.00067; ESP Exome Variant Server 0.00069; ExAC 0.00078; 1000 Genomes Project 30x 0.00094; gnomAD 0.00097; 1000 Genomes Project 0.00100; TOPMed 0.00176.

Submission:

PreventionGenetics, part of Exact Sciences
Classification: Likely benign for TKFC-related condition. Last evaluated: 2022-02-28. Review status: no assertion criteria provided. Collection method: clinical testing. Allele origin: germline.
Comment: This variant is classified as likely benign based on ACMG/AMP sequence variant interpretation guidelines (Richards et al. 2015 PMID: 25741868, with internal and published modifications).

NM_015533.4(TKFC):c.1699C>T (p.Arg567Trp)

Gene: TKFC (triokinase and FMN cyclase; plus strand). Cytogenetic location: 11q12.2.
Variant type: single nucleotide variant.
Coding change: c.1699C>T on transcript NM_015533.4 (MANE Select); coding-DNA position 1699, C replaced by T.
Protein change: p.Arg567Trp; replaces arginine 567 with tryptophan.
Molecular consequence: missense variant. On other transcripts: 3 prime UTR variant (2), intron variant (2).
Genome position (GRCh38, 1-based): chr11:61,346,474, C>T. VCF-style: chr11-61346474-C-T. GRCh37 (hg19) VCF-style: chr11-61113946-C-T.
Other names: c.1699C>T, p.Arg567Trp (NM_001351976.2); c.*150C>T (NM_001351979.2, NM_001351980.2); c.1575+528C>T (NM_001351978.2, NM_001351977.2); short protein forms R567W.
Identifiers: ClinVar variation 3048735 (VCV003048735.2), dbSNP rs139056511, ClinGen allele CA6034218.